The following is an entry in ClinVar:

ClinVar aggregate classification (germline): Conflicting classifications of pathogenicity. Review status: criteria provided, conflicting classifications (1 of 4 stars). 2 submissions from 2 submitters: Uncertain significance (1); Likely benign (1). Last evaluated 2024-04-22.

Conditions:
Familial hypocalciuric hypercalcemia (FHH). Also called: Familial benign hypercalcemia. Identifiers: Orphanet 405, MedGen C1809471, MONDO:0018458.
Autosomal dominant hypocalcemia 1 (HYPOC1). Also called: HYPOCALCEMIA, FAMILIAL. Identifiers: MedGen C3715128, MONDO:0011013, OMIM 601198.
Nephrolithiasis/nephrocalcinosis. Identifiers: MedGen CN580796.

Submissions (2):

Ambry Genetics
Classification: Likely benign for Nephrolithiasis/nephrocalcinosis. Last evaluated: 2024-04-22. Review status: criteria provided, single submitter. Criteria: Ambry Variant Classification Scheme 2023. Collection method: clinical testing. Allele origin: germline.

Labcorp Genetics (formerly Invitae), Labcorp
Classification: Uncertain significance for Familial hypocalciuric hypercalcemia; Autosomal dominant hypocalcemia 1. Last evaluated: 2022-06-08. Review status: criteria provided, single submitter. Criteria: Invitae Variant Classification Sherloc (09022015). Collection method: clinical testing. Allele origin: germline.
Comment: In summary, the available evidence is currently insufficient to determine the role of this variant in disease. Therefore, it has been classified as a Variant of Uncertain Significance. Algorithms developed to predict the effect of missense changes on protein structure and function output the following: SIFT: "Tolerated"; PolyPhen-2: "Benign"; Align-GVGD: "Class C0". The asparagine amino acid residue is found in multiple mammalian species, which suggests that this missense change does not adversely affect protein function. ClinVar contains an entry for this variant (Variation ID: 463893). This variant has not been reported in the literature in individuals affected with CASR-related conditions. This variant is not present in population databases (gnomAD no frequency). This sequence change replaces serine, which is neutral and polar, with asparagine, which is neutral and polar, at codon 385 of the CASR protein (p.Ser385Asn).

NM_000388.4(CASR):c.1154G>A (p.Ser385Asn)

Gene: CASR (calcium sensing receptor; plus strand). Cytogenetic location: 3q21.1.
Variant type: single nucleotide variant.
Coding change: c.1154G>A on transcript NM_000388.4 (MANE Select); coding-DNA position 1154, G replaced by A.
Protein change: p.Ser385Asn; replaces serine 385 with asparagine.
Molecular consequence: missense variant.
Genome position (GRCh38, 1-based): chr3:122,262,189, G>A. VCF-style: chr3-122262189-G-A. GRCh37 (hg19) VCF-style: chr3-121981036-G-A.
Other names: c.1154G>A, p.Ser385Asn (NM_001178065.2); short protein forms S385N.
Identifiers: ClinVar variation 463893 (VCV000463893.13), dbSNP rs1553766867, ClinGen allele CA354152707.